The following is an entry in ClinVar:

ClinVar aggregate classification (germline): Uncertain significance (1 of 4 stars; one submission).

Allele frequency attached by ClinVar (database versions not stated): gnomAD 0.00001.
gnomAD v4.1: 3 of 1,117,322 alleles (0.00027%); highest among the groups gnomAD compares: Non-Finnish European, 0.00033%; no homozygotes.

Submission:

Labcorp Genetics (formerly Invitae), Labcorp
Classification: Uncertain significance. Last evaluated: 2022-10-04. Review status: criteria provided, single submitter. Criteria: Invitae Variant Classification Sherloc (09022015). Collection method: clinical testing. Allele origin: germline.
Comment: This sequence change replaces alanine, which is neutral and non-polar, with threonine, which is neutral and polar, at codon 19 of the ENPP1 protein (p.Ala19Thr). The frequency data for this variant in the population databases is considered unreliable, as metrics indicate insufficient coverage at this position in the gnomAD database. This variant has not been reported in the literature in individuals affected with ENPP1-related conditions. Algorithms developed to predict the effect of missense changes on protein structure and function are either unavailable or do not agree on the potential impact of this missense change (SIFT: "Tolerated"; PolyPhen-2: "Not Available"; Align-GVGD: "Class C0"). In summary, the available evidence is currently insufficient to determine the role of this variant in disease. Therefore, it has been classified as a Variant of Uncertain Significance.

NM_006208.3(ENPP1):c.55G>A (p.Ala19Thr)

Gene: ENPP1 (ectonucleotide pyrophosphatase/phosphodiesterase 1; plus strand). Cytogenetic location: 6q23.2.
Variant type: single nucleotide variant.
Coding change: c.55G>A on transcript NM_006208.3 (MANE Select); coding-DNA position 55, G replaced by A.
Protein change: p.Ala19Thr; replaces alanine 19 with threonine.
Molecular consequence: missense variant.
Genome position (GRCh38, 1-based): chr6:131,808,090, G>A. VCF-style: chr6-131808090-G-A. GRCh37 (hg19) VCF-style: chr6-132129230-G-A.
Other names: short protein forms A19T.
Identifiers: ClinVar variation 1975600 (VCV001975600.5), dbSNP rs1781301291, ClinGen allele CA365661043.